The following is an entry in ClinVar:

NM_024408.4(NOTCH2):c.5395A>G (p.Ile1799Val)

Gene: NOTCH2 (notch receptor 2; minus strand). Cytogenetic location: 1p12.
Variant type: single nucleotide variant.
Coding change: c.5395A>G on transcript NM_024408.4 (MANE Select); coding-DNA position 5395, A replaced by G.
Protein change: p.Ile1799Val; replaces isoleucine 1799 with valine.
Molecular consequence: missense variant.
Genome position (GRCh38, 1-based): chr1:119,920,313, T>C on the plus strand (A>G on the coding strand, the complement: NOTCH2 is on the minus strand). VCF-style: chr1-119920313-T-C. GRCh37 (hg19) VCF-style: chr1-120462936-T-C.
Other names: c.5395A>G (NM_024408.3); short protein forms I1799V.
Identifiers: ClinVar variation 1922180 (VCV001922180.6), dbSNP rs749112261, ClinGen allele CA1039647.

ClinVar aggregate classification (germline): Uncertain significance. Review status: criteria provided, multiple submitters, no conflicts (2 of 4 stars). 2 submissions from 2 submitters: Uncertain significance (2). Last evaluated 2025-04-12.

Conditions:
Inborn genetic diseases. Identifiers: MedGen C0950123, MeSH D030342.
Hajdu-Cheney syndrome (HJCYS). Also called: Acroosteolysis dominant type; SERPENTINE FIBULA-POLYCYSTIC KIDNEY SYNDROME; ACROOSTEOLYSIS WITH OSTEOPOROSIS AND CHANGES IN SKULL AND MANDIBLE. Identifiers: Orphanet 955, MedGen C0917715, MONDO:0007057, OMIM 102500.

Allele frequency attached by ClinVar (database versions not stated): TOPMed below 0.00001; ExAC 0.00001; gnomAD exomes 0.00001.
gnomAD v4.1: 3 of 1,614,184 alleles (0.00019%); highest among the groups gnomAD compares: East Asian, 0.0022%; no homozygotes.

Submissions (2):

Ambry Genetics
Classification: Uncertain significance for Inborn genetic diseases. Last evaluated: 2025-04-12. Review status: criteria provided, single submitter. Criteria: Ambry Variant Classification Scheme 2023. Collection method: clinical testing. Allele origin: germline.

Labcorp Genetics (formerly Invitae), Labcorp
Classification: Uncertain significance for Hajdu-Cheney syndrome. Last evaluated: 2024-11-06. Review status: criteria provided, single submitter. Criteria: Invitae Variant Classification Sherloc (09022015). Collection method: clinical testing. Allele origin: germline.
Comment: This sequence change replaces isoleucine, which is neutral and non-polar, with valine, which is neutral and non-polar, at codon 1799 of the NOTCH2 protein (p.Ile1799Val). This variant is present in population databases (rs749112261, gnomAD 0.002%). This variant has not been reported in the literature in individuals affected with NOTCH2-related conditions. ClinVar contains an entry for this variant (Variation ID: 1922180). Invitae Evidence Modeling of protein sequence and biophysical properties (such as structural, functional, and spatial information, amino acid conservation, physicochemical variation, residue mobility, and thermodynamic stability) indicates that this missense variant is not expected to disrupt NOTCH2 protein function with a negative predictive value of 80%. In summary, the available evidence is currently insufficient to determine the role of this variant in disease. Therefore, it has been classified as a Variant of Uncertain Significance.